The following is an entry in ClinVar:

NM_001166114.2(PNPLA6):c.4003C>T (p.Pro1335Ser)

Gene: PNPLA6 (patatin like domain 6, lysophospholipase; plus strand). Cytogenetic location: 19p13.2.
Variant type: single nucleotide variant.
Coding change: c.4003C>T on transcript NM_001166114.2 (MANE Select); coding-DNA position 4003, C replaced by T.
Protein change: p.Pro1335Ser; replaces proline 1335 with serine.
Molecular consequence: missense variant.
Genome position (GRCh38, 1-based): chr19:7,561,297, C>T. VCF-style: chr19-7561297-C-T. GRCh37 (hg19) VCF-style: chr19-7626183-C-T.
Other names: c.4033C>T (NM_001166111.1); c.4003C>T (NM_001166114.1); c.4033C>T, p.Pro1345Ser (NM_001166111.2); c.3808C>T, p.Pro1270Ser (NM_001166112.2); c.3889C>T, p.Pro1297Ser (NM_001166113.1, NM_006702.5); short protein forms P1297S, P1270S, P1335S, P1345S.
Identifiers: ClinVar variation 409994 (VCV000409994.24), dbSNP rs151264767, ClinGen allele CA9140664.

ClinVar aggregate classification (germline): Conflicting classifications of pathogenicity. Review status: criteria provided, conflicting classifications (1 of 4 stars). 7 submissions from 7 submitters: Pathogenic (1); Likely pathogenic (4); Uncertain significance (2). Last evaluated 2025-07-03.

Conditions:
Ataxia-hypogonadism-choroidal dystrophy syndrome (BNHS). Also called: Chorioretinal dystrophy, spinocerebellar ataxia and hypogonadotropic hypogonadism; Boucher-Neuhäuser Syndrome (BNS). Identifiers: Orphanet 1180, MedGen C1859093, MONDO:0008980, OMIM 215470.
Hereditary spastic paraplegia 39 (SPG39). Also called: SPASTIC PARAPLEGIA 39, AUTOSOMAL RECESSIVE; Spastic Paraplegia Type 39 (SPG39). Identifiers: Orphanet 139480, MedGen C2677586, MONDO:0012787, OMIM 612020.
Laurence-Moon syndrome (LNMS). Also called: PNPLA6-Related Laurence-Moon Syndrome (LMS). Identifiers: Orphanet 2377, MedGen C0023138, MONDO:0009514, OMIM 245800.

Allele frequency attached by ClinVar (database versions not stated): gnomAD 0.00004 and 0.00005; gnomAD exomes 0.00004 and 0.00005; TOPMed 0.00004; ExAC 0.00008; ESP Exome Variant Server 0.00008.
gnomAD v4.1: 67 of 1,606,276 alleles (0.0042%); highest among the groups gnomAD compares: Admixed American, 0.0017%; no homozygotes.

Submissions (7):

Labcorp Genetics (formerly Invitae), Labcorp
Classification: Pathogenic for Hereditary spastic paraplegia 39. Last evaluated: 2025-07-03. Review status: criteria provided, single submitter. Criteria: Invitae Variant Classification Sherloc (09022015). Collection method: clinical testing. Allele origin: germline.
Comment: This sequence change replaces proline, which is neutral and non-polar, with serine, which is neutral and polar, at codon 1297 of the PNPLA6 protein (p.Pro1297Ser). This variant is present in population databases (rs151264767, gnomAD 0.09%). This missense change has been observed in individual(s) with clinical features of hereditary spastic paraplegia (internal data). In at least one individual the data is consistent with being in trans (on the opposite chromosome) from a pathogenic variant. It has also been observed to segregate with disease in related individuals. ClinVar contains an entry for this variant (Variation ID: 409994). Invitae Evidence Modeling of protein sequence and biophysical properties (such as structural, functional, and spatial information, amino acid conservation, physicochemical variation, residue mobility, and thermodynamic stability) indicates that this missense variant is not expected to disrupt PNPLA6 protein function with a negative predictive value of 95%. For these reasons, this variant has been classified as Pathogenic.

GeneDx
Classification: Likely pathogenic. Last evaluated: 2025-03-27. Review status: criteria provided, single submitter. Criteria: GeneDx Variant Classification Process June 2021. Collection method: clinical testing. Allele origin: germline. Affected: yes.
Comment: Identified in two siblings with spastic paraplegia who also harbored a second missense variant in PNPLA6, however it is not known whether the variants occurred on the same (in cis) or opposite (in trans) chromosomes (PMID: 32623594); In silico analysis indicates that this missense variant does not alter protein structure/function; Also known as p.(P1335S); This variant is associated with the following publications: (PMID: 36825042, 39420034, 32623594)

Molecular Genetics, Royal Melbourne Hospital
Classification: Likely pathogenic for Hereditary spastic paraplegia 39. Last evaluated: 2024-11-04. Review status: criteria provided, single submitter. Criteria: ACMG Guidelines, 2015. Collection method: clinical testing. Allele origin: germline. Inheritance: Autosomal recessive inheritance. Affected: yes.
Comment: This sequence change in PNPLA6 is predicted to replace proline with serine at codon 1335, p.(Pro1335Ser). The proline residue is moderately conserved (100 vertebrates, Multiz Alignments), and is not located in an annotated functional domain. There is a moderate physicochemical difference between proline and serine. PNPLA6, in which the variant was identified, is a gene significantly constrained for missense variation and where pathogenic missense variants are a common mechanism of disease (gnomAD v4.1). The highest population minor allele frequency in gnomAD v4.1 is 0.1% (49/29,320 alleles) in the Ashkenazi Jewish population, while the highest continental population minor allele frequency in gnomAD v4.1 is 0.002% (1/58,752 alleles) in the Admixed-American population. This variant has been detected as compound heterozygous in multiple individuals with spastic paraparesis, with at least one pathogenic variant confirmed on the second allele (PMID: 36825042, Invitae). The variant has been reported to segregate in affected family members from four families (PMID: 36825042, 32623594; Invitae). Computational evidence predicts a benign effect for the missense substitution (REVEL = 0.019) and predicts no impact on splicing (SpliceAI) for the nucleotide change. Based on the classification scheme RMH Modified ACMG/AMP Guidelines v1.7.0, this variant is classified as LIKELY PATHOGENIC. Following criteria are met: PM3_Strong, PP1_Strong, PP2, BP4

Victorian Clinical Genetics Services, Murdoch Childrens Research Institute
Classification: Likely pathogenic for Hereditary spastic paraplegia 39. Last evaluated: 2024-09-21. Review status: criteria provided, single submitter. Criteria: ACMG Guidelines, 2015. Collection method: clinical testing. Allele origin: germline. Inheritance: Autosomal recessive inheritance. Affected: yes.
Comment: Based on the classification scheme VCGS_Germline_v1.3.4, this variant is classified as Likely pathogenic. Following criteria are met: 0102 - Loss of function is a known mechanism of disease in this gene and is associated with Boucher-Neuhauser syndrome (MIM#215470), Oliver-McFarlane syndrome (MIM#275400) and spastic paraplegia (MIM#612020) (OMIM). (I) 0106 - This gene is associated with autosomal recessive disease. (I) 0200 - Variant is predicted to result in a missense amino acid change from proline to serine. (I) 0251 - This variant is heterozygous. (I) 0304 - Variant is present in gnomAD (v2) <0.01 for a recessive condition (13 heterozygotes, 0 homozygotes). (SP) 0503 - Missense variant consistently predicted to be tolerated by multiple in silico tools or not conserved in placental mammals with a minor amino acid change. (SB) 0604 - Variant is not located in an established domain, motif, hotspot or informative constraint region. (I) 0705 - No comparable missense variants have previous evidence for pathogenicity. (I) 0802 - This variant has moderate previous evidence of pathogenicity in unrelated individuals. This variant has been reported as compound heterozygous in individuals with early-onset motor delays, including two siblings with spastic paraplegia, with one developing carbidopa-levodopa-responsive early-onset parkinsonism (J. Witt, M. Davis [abstract] Mov Disord. 2020; 35 (suppl 1); PMID: 32623594). In addition, this variant is compound heterozygous with a missense variant in an individual with spastic paraparesis and hereditary spastic paraplegia (Invitae, personal communication. However, it should also be noted that this variant has been classified as pathogenic and a VUS in ClinVar and as likely benign in a study of two brothers with levodopa-responsive parkinsonism and gait ataxia, respectively (PMID: 36825042). (SP) 0905 - No published segregation evidence has been identified for this variant. (I) 1007 - No published functional evidence has been identified for this variant. (I) Legend: (SP) - Supporting pathogenic, (I) - Information, (SB) - Supporting benign

Revvity Omics, Revvity
Classification: Likely pathogenic. Last evaluated: 2024-01-19. Review status: criteria provided, single submitter. Criteria: ACMG Guidelines, 2015. Collection method: clinical testing. Allele origin: germline.

Athena Diagnostics
Classification: Uncertain significance. Last evaluated: 2023-06-19. Review status: criteria provided, single submitter. Criteria: Athena Diagnostics Criteria. Collection method: clinical testing. Allele origin: unknown.
Comment: Available data are insufficient to determine the clinical significance of the variant at this time. The frequency of this variant in the general population is higher than would generally be expected for pathogenic variants in this gene. This variant has been identified in at least one individual with clinical features associated with this gene. This variant is also referred to as c.3889C > T, p.Pro1297Ser in published literature. Computational tools disagree on the variant's effect on normal protein function.

Blueprint Genetics
Classification: Uncertain significance. Last evaluated: 2023-03-29. Review status: criteria provided, single submitter. Criteria: ACMG Guidelines, 2015. Collection method: clinical testing. Allele origin: germline.

Literature cited by the submitters: PubMed 32623594 (cited by 3 submitters); PubMed 36825042 (cited by Molecular Genetics, Royal Melbourne Hospital and Victorian Clinical Genetics Services, Murdoch Childrens Research Institute).